The following is an entry in ClinVar:

ClinVar aggregate classification (germline): Uncertain significance (1 of 4 stars; one submission).

Submission:

GeneDx
Classification: Uncertain significance. Last evaluated: 2022-01-28. Review status: criteria provided, single submitter. Criteria: GeneDx Variant Classification Process June 2021. Collection method: clinical testing. Allele origin: germline. Affected: yes.
Comment: Not observed at significant frequency in large population cohorts (gnomAD); In silico analysis supports that this missense variant does not alter protein structure/function; Has not been previously published as pathogenic or benign to our knowledge

NM_001326342.2(CELF2):c.597G>A (p.Met199Ile)

Gene: CELF2 (CUGBP Elav-like family member 2; plus strand). Cytogenetic location: 10p14.
Variant type: single nucleotide variant.
Coding change: c.597G>A on transcript NM_001326342.2 (MANE Select); coding-DNA position 597, G replaced by A.
Protein change: p.Met199Ile; replaces methionine 199 with isoleucine.
Molecular consequence: missense variant. On other transcripts: intron variant (2).
Genome position (GRCh38, 1-based): chr10:11,266,656, G>A. VCF-style: chr10-11266656-G-A. GRCh37 (hg19) VCF-style: chr10-11308619-G-A.
Other names: c.504G>A, p.Met168Ile (NM_001025076.2, NM_001083591.1, NM_001326317.2 and 15 more transcripts); c.576G>A, p.Met192Ile (NM_001025077.3, NM_001326331.2, NM_001326332.2 and 4 more transcripts); c.669G>A, p.Met223Ile (NM_001326325.2); c.612G>A, p.Met204Ile (NM_001326326.2, NM_001326327.2); c.243G>A, p.Met81Ile (NM_001326338.2, NM_001326339.2); c.597G>A, p.Met199Ile (NM_001326340.2, NM_001326341.2, NM_001326343.2 and 4 more transcripts); c.528G>A, p.Met176Ile (NM_001326347.1); c.-87-4010G>A (NM_001326333.2, NM_001326346.2); short protein forms M168I, M176I, M192I, M199I, M204I, M223I, M81I.
Identifiers: ClinVar variation 1699683 (VCV001699683.2), dbSNP rs2138380322, ClinGen allele CA375966258.